The following is an entry in ClinVar:

NM_003738.5(PTCH2):c.901G>A (p.Gly301Ser)

Gene: PTCH2 (patched 2; minus strand). Cytogenetic location: 1p34.1.
Variant type: single nucleotide variant.
Coding change: c.901G>A on transcript NM_003738.5 (MANE Select); coding-DNA position 901, G replaced by A.
Protein change: p.Gly301Ser; replaces glycine 301 with serine.
Molecular consequence: missense variant.
Genome position (GRCh38, 1-based): chr1:44,829,943, C>T on the plus strand (G>A on the coding strand, the complement: PTCH2 is on the minus strand). VCF-style: chr1-44829943-C-T. GRCh37 (hg19) VCF-style: chr1-45295615-C-T.
Other names: c.901G>A, p.Gly301Ser (NM_001166292.2); c.901G>A (NM_003738.4); short protein forms G301S.
Identifiers: ClinVar variation 1503993 (VCV001503993.10), dbSNP rs757505677, ClinGen allele CA823496.
Genomic context (GRCh38, chr1:44,829,943, plus strand): 5'-TCACCAACTCCCAGAGGAGACCCTACCTCAGCAGCTCTCCTTGGGGGTCTCTGGCCATGC[C>T]TCCCAGCAGCAATTCCTCCTGCCAGTGCATGAATTTGTGGGAGAAGCCATGGCAGCCCCC-3'
Protein context (NP_003729.3, residues 291-311): MHWQEELLLG[Gly301Ser]MARDPQGELL

ClinVar aggregate classification (germline): Uncertain significance. Review status: criteria provided, multiple submitters, no conflicts (2 of 4 stars). 2 submissions from 2 submitters: Uncertain significance (2). Last evaluated 2025-05-28.

Conditions:
Gorlin syndrome. Also called: Nevoid Basal Cell Carcinoma Syndrome; Basal cell nevus syndrome. Identifiers: Orphanet 377, MedGen C0004779, MONDO:0007187.

Allele frequency attached by ClinVar (database versions not stated): gnomAD exomes below 0.00001 and 0.00005; ExAC 0.00001; gnomAD 0.00002; TOPMed 0.00004.

Submissions (2):

Ambry Genetics
Classification: Uncertain significance. Last evaluated: 2025-05-28. Review status: criteria provided, single submitter. Criteria: Ambry Variant Classification Scheme 2023. Collection method: clinical testing. Allele origin: germline.

Labcorp Genetics (formerly Invitae), Labcorp
Classification: Uncertain significance for Gorlin syndrome. Last evaluated: 2025-05-07. Review status: criteria provided, single submitter. Criteria: Invitae Variant Classification Sherloc (09022015). Collection method: clinical testing. Allele origin: germline.
Comment: This sequence change replaces glycine, which is neutral and non-polar, with serine, which is neutral and polar, at codon 301 of the PTCH2 protein (p.Gly301Ser). This variant is present in population databases (rs757505677, gnomAD 0.0009%). This variant has not been reported in the literature in individuals affected with PTCH2-related conditions. ClinVar contains an entry for this variant (Variation ID: 1503993). Invitae Evidence Modeling of protein sequence and biophysical properties (such as structural, functional, and spatial information, amino acid conservation, physicochemical variation, residue mobility, and thermodynamic stability) indicates that this missense variant is expected to disrupt PTCH2 protein function with a positive predictive value of 80%. In summary, the available evidence is currently insufficient to determine the role of this variant in disease. Therefore, it has been classified as a Variant of Uncertain Significance.